The following is an entry in ClinVar:

ClinVar aggregate classification (germline): Uncertain significance. Review status: criteria provided, multiple submitters, no conflicts (2 of 4 stars). 2 submissions from 2 submitters: Uncertain significance (2). Last evaluated 2025-08-14.

Conditions:
Cardiovascular phenotype. Identifiers: MedGen CN230736.
RASopathy. Also called: rasopathies; Noonan spectrum disorder. Identifiers: Orphanet 536391, MedGen C5555857, MONDO:0021060.

Submissions (2):

Labcorp Genetics (formerly Invitae), Labcorp
Classification: Uncertain significance for RASopathy. Last evaluated: 2025-08-14. Review status: criteria provided, single submitter. Criteria: Invitae Variant Classification Sherloc (09022015). Collection method: clinical testing. Allele origin: germline.
Comment: This sequence change replaces isoleucine, which is neutral and non-polar, with methionine, which is neutral and non-polar, at codon 245 of the SOS1 protein (p.Ile245Met). This variant is not present in population databases (gnomAD no frequency). This variant has not been reported in the literature in individuals affected with SOS1-related conditions. ClinVar contains an entry for this variant (Variation ID: 1395675). Invitae Evidence Modeling of protein sequence and biophysical properties (such as structural, functional, and spatial information, amino acid conservation, physicochemical variation, residue mobility, and thermodynamic stability) has been performed for this missense variant. However, the output from this modeling did not meet the statistical confidence thresholds required to predict the impact of this variant on SOS1 protein function. In summary, the available evidence is currently insufficient to determine the role of this variant in disease. Therefore, it has been classified as a Variant of Uncertain Significance.

Ambry Genetics
Classification: Uncertain significance for Cardiovascular phenotype. Last evaluated: 2024-02-09. Review status: criteria provided, single submitter. Criteria: Ambry Variant Classification Scheme 2023. Collection method: clinical testing. Allele origin: germline.
Comment: The p.I245M variant (also known as c.735A>G), located in coding exon 6 of the SOS1 gene, results from an A to G substitution at nucleotide position 735. The isoleucine at codon 245 is replaced by methionine, an amino acid with highly similar properties. This amino acid position is conserved. In addition, this alteration is predicted to be deleterious by in silico analysis. Based on the available evidence, the clinical significance of this alteration remains unclear.

NM_005633.4(SOS1):c.735A>G (p.Ile245Met)

Gene: SOS1 (SOS Ras/Rac guanine nucleotide exchange factor 1; minus strand). Cytogenetic location: 2p22.1.
Variant type: single nucleotide variant.
Coding change: c.735A>G on transcript NM_005633.4 (MANE Select); coding-DNA position 735, A replaced by G.
Protein change: p.Ile245Met; replaces isoleucine 245 with methionine.
Molecular consequence: missense variant.
Genome position (GRCh38, 1-based): chr2:39,051,273, T>C on the plus strand (A>G on the coding strand, the complement: SOS1 is on the minus strand). VCF-style: chr2-39051273-T-C. GRCh37 (hg19) VCF-style: chr2-39278414-T-C.
Other names: c.714A>G, p.Ile238Met (NM_001382394.1); c.735A>G, p.Ile245Met (NM_001382395.1); c.735A>G (NM_005633.3); short protein forms I245M, I238M.
Identifiers: ClinVar variation 1395675 (VCV001395675.9), dbSNP rs2124597094, ClinGen allele CA346367829.